The following is an entry in ClinVar:

NC_000017.10:g.(?_3397634)_(3397763_?)del

Gene: ASPA (aspartoacylase; plus strand). Cytogenetic location: 17p13.2.
Variant type: Deletion.
Identifiers: ClinVar variation 1071154 (VCV001071154.3).

ClinVar aggregate classification (germline): Pathogenic (1 of 4 stars; one submission).

Conditions:
Spongy degeneration of central nervous system. Also called: Canavan disease; Von Bogaert-Bertrand disease; AMINOACYLASE 2 DEFICIENCY; ACY2 DEFICIENCY; ASP DEFICIENCY; ASPA DEFICIENCY. Identifiers: Orphanet 141, MedGen C0206307, MONDO:0010079, OMIM 271900.

Submission:

Labcorp Genetics (formerly Invitae), Labcorp
Classification: Pathogenic for Spongy degeneration of central nervous system. Last evaluated: 2022-10-27. Review status: criteria provided, single submitter. Criteria: Invitae Variant Classification Sherloc (09022015). Collection method: clinical testing. Allele origin: germline.
Comment: This variant is a gross deletion of the genomic region encompassing exon(s) 5 of the ASPA gene. This deletion is out-of-frame, and is expected to create a premature termination codon and result in an absent or disrupted protein product. Loss-of-function variants in ASPA are known to be pathogenic (PMID: 12638939). For these reasons, this variant has been classified as Pathogenic. This variant has not been reported in the literature in individuals affected with ASPA-related conditions.

Literature cited by the submitters: PubMed 12638939.